The following is an entry in ClinVar:

NM_006059.4(LAMC3):c.976+1G>A

Gene: LAMC3 (laminin subunit gamma 3; plus strand). Cytogenetic location: 9q34.12.
Variant type: single nucleotide variant.
Coding change: c.976+1G>A on transcript NM_006059.4 (MANE Select); the canonical splice donor site of the intron after coding-DNA position 976, G replaced by A.
Molecular consequence: splice donor variant.
Genome position (GRCh38, 1-based): chr9:131,036,333, G>A. VCF-style: chr9-131036333-G-A. GRCh37 (hg19) VCF-style: chr9-133911720-G-A.
Identifiers: ClinVar variation 1324651 (VCV001324651.7), dbSNP rs201519274, ClinGen allele CA5286882.

ClinVar aggregate classification (germline): Pathogenic. Review status: criteria provided, multiple submitters, no conflicts (2 of 4 stars). 2 submissions from 2 submitters: Pathogenic (2). Last evaluated 2025-09-04.

gnomAD v4.1: 80 of 1,612,542 alleles (0.005%); highest among the groups gnomAD compares: East Asian, 0.016%; no homozygotes.

Submissions (2):

Labcorp Genetics (formerly Invitae), Labcorp
Classification: Pathogenic. Last evaluated: 2025-09-04. Review status: criteria provided, single submitter. Criteria: Invitae Variant Classification Sherloc (09022015). Collection method: clinical testing. Allele origin: germline.
Comment: This sequence change affects a donor splice site in intron 4 of the LAMC3 gene. It is expected to disrupt RNA splicing. Variants that disrupt the donor or acceptor splice site typically lead to a loss of protein function (PMID: 16199547), and loss-of-function variants in LAMC3 are known to be pathogenic (PMID: 21572413, 26802095). This variant is present in population databases (rs201519274, gnomAD 0.006%). Disruption of this splice site has been observed in individual(s) with LAMC3-related conditions (PMID: 32902107, 35620139). In at least one individual the data is consistent with being in trans (on the opposite chromosome) from a pathogenic variant. ClinVar contains an entry for this variant (Variation ID: 1324651). Algorithms developed to predict the effect of sequence changes on RNA splicing suggest that this variant may disrupt the consensus splice site. For these reasons, this variant has been classified as Pathogenic.

GeneDx
Classification: Pathogenic. Last evaluated: 2025-08-13. Review status: criteria provided, single submitter. Criteria: GeneDx Variant Classification Process June 2021. Collection method: clinical testing. Allele origin: germline. Affected: yes.
Comment: Not observed at significant frequency in large population cohorts (gnomAD); Canonical splice site variant predicted to result in a null allele in a gene for which loss of function is a known mechanism of disease; This variant is associated with the following publications: (PMID: 39123069, 21572413, 38758065, 35620139)

Literature cited by the submitters: PubMed 16199547 (cited by Labcorp Genetics (formerly Invitae), Labcorp); PubMed 21572413 (cited by Labcorp Genetics (formerly Invitae), Labcorp); PubMed 26802095 (cited by Labcorp Genetics (formerly Invitae), Labcorp); PubMed 32902107 (cited by Labcorp Genetics (formerly Invitae), Labcorp); PubMed 35620139 (cited by Labcorp Genetics (formerly Invitae), Labcorp).